The following is an entry in ClinVar:

ClinVar aggregate classification (germline): Uncertain significance (1 of 4 stars; one submission).

Conditions:
Dyskeratosis congenita, autosomal dominant 2. Identifiers: MedGen C3151443, MONDO:0013521, OMIM 613989.
Idiopathic Pulmonary Fibrosis. Also called: Idiopathic fibrosing alveolitis, chronic form; idiopathic fibrosing alveolitis. Identifiers: Orphanet 2032, MedGen C1800706, MeSH D054990, MONDO:0800504.

Submission:

Labcorp Genetics (formerly Invitae), Labcorp
Classification: Uncertain significance for Dyskeratosis congenita, autosomal dominant 2; Idiopathic Pulmonary Fibrosis. Last evaluated: 2021-08-31. Review status: criteria provided, single submitter. Criteria: Invitae Variant Classification Sherloc (09022015). Collection method: clinical testing. Allele origin: germline.
Comment: This sequence change replaces alanine with threonine at codon 242 of the TERT protein (p.Ala242Thr). The alanine residue is weakly conserved and there is a small physicochemical difference between alanine and threonine. This variant is not present in population databases (ExAC no frequency). This variant has not been reported in the literature in individuals affected with TERT-related conditions. Algorithms developed to predict the effect of missense changes on protein structure and function (SIFT, PolyPhen-2, Align-GVGD) all suggest that this variant is likely to be tolerated. In summary, the available evidence is currently insufficient to determine the role of this variant in disease. Therefore, it has been classified as a Variant of Uncertain Significance.

NM_198253.3(TERT):c.724G>A (p.Ala242Thr)

Gene: TERT (telomerase reverse transcriptase; minus strand). Cytogenetic location: 5p15.33.
Variant type: single nucleotide variant.
Coding change: c.724G>A on transcript NM_198253.3 (MANE Select); coding-DNA position 724, G replaced by A.
Protein change: p.Ala242Thr; replaces alanine 242 with threonine.
Molecular consequence: missense variant. On other transcripts: non-coding transcript variant (2).
Genome position (GRCh38, 1-based): chr5:1,294,162, C>T on the plus strand (G>A on the coding strand, the complement: TERT is on the minus strand). VCF-style: chr5-1294162-C-T. GRCh37 (hg19) VCF-style: chr5-1294277-C-T.
Other names: c.724G>A, p.Ala242Thr (NM_001193376.3); short protein forms A242T.
Identifiers: ClinVar variation 654050 (VCV000654050.6), dbSNP rs766054124, ClinGen allele CA359056952.
Genomic context (GRCh38, chr5:1,294,162, plus strand): 5'-TCCTGCCCGGGTGGGCCCAGGACCCCTGCCCAACGGGCGTCCGCTCCGGCTCAGGGGCAG[C>T]GCCACGCCTGGGCCTCTTGGGCAACGGCAGACTTCGGCTGGCACTGCCCCCGCGCCTCCT-3'
Protein context (NP_937983.2, residues 232-252): LPLPKRPRRG[Ala242Thr]APEPERTPVG